The following is an entry in ClinVar:

NM_005534.4(IFNGR2):c.53C>T (p.Ala18Val)

Genes: IFNGR2 (interferon gamma receptor 2; plus strand), LOC119266102 (IFNGR2 promoter region; plus strand). Cytogenetic location: 21q22.11.
Variant type: single nucleotide variant.
Coding change: c.53C>T on transcript NM_005534.4 (MANE Select); coding-DNA position 53, C replaced by T.
Protein change: p.Ala18Val; replaces alanine 18 with valine.
Molecular consequence: missense variant.
Genome position (GRCh38, 1-based): chr21:33,403,596, C>T. VCF-style: chr21-33403596-C-T. GRCh37 (hg19) VCF-style: chr21-34775902-C-T.
Other names: c.53C>T, p.Ala18Val (NM_001329128.2); short protein forms A18V.
Identifiers: ClinVar variation 863856 (VCV000863856.5), dbSNP rs773932279, ClinGen allele CA10006831.

ClinVar aggregate classification (germline): Uncertain significance (1 of 4 stars; one submission).

Conditions:
Immunodeficiency 28 (IMD28). Also called: IFNGR2 DEFICIENCY. Identifiers: Orphanet 319547, Orphanet 319574, MedGen C4013947, MONDO:0013953, OMIM 614889.

Allele frequency attached by ClinVar (database versions not stated): gnomAD 0.00011 and 0.00013; TOPMed 0.00012; gnomAD exomes 0.00021; ExAC 0.00037.
gnomAD v4.1: 161 of 1,371,460 alleles (0.012%); highest among the groups gnomAD compares: Non-Finnish European, 0.011%; 1 homozygote.

Submission:

Labcorp Genetics (formerly Invitae), Labcorp
Classification: Uncertain significance for Immunodeficiency 28. Last evaluated: 2022-08-19. Review status: criteria provided, single submitter. Criteria: Invitae Variant Classification Sherloc (09022015). Collection method: clinical testing. Allele origin: germline.
Comment: This sequence change replaces alanine, which is neutral and non-polar, with valine, which is neutral and non-polar, at codon 18 of the IFNGR2 protein (p.Ala18Val). This variant is present in population databases (rs773932279, gnomAD 0.1%). This variant has not been reported in the literature in individuals affected with IFNGR2-related conditions. ClinVar contains an entry for this variant (Variation ID: 863856). Algorithms developed to predict the effect of missense changes on protein structure and function are either unavailable or do not agree on the potential impact of this missense change (SIFT: "Tolerated"; PolyPhen-2: "Not Available"; Align-GVGD: "Class C0"). In summary, the available evidence is currently insufficient to determine the role of this variant in disease. Therefore, it has been classified as a Variant of Uncertain Significance.